The following is an entry in ClinVar:

ClinVar aggregate classification (germline): Uncertain significance (1 of 4 stars; one submission).

gnomAD v4.1: 1 of 1,603,134 alleles (0.000062%); highest among the groups gnomAD compares: Non-Finnish European, 0.000085%; no homozygotes.

Submission:

Ambry Genetics
Classification: Uncertain significance. Last evaluated: 2025-09-17. Review status: criteria provided, single submitter. Criteria: Ambry Variant Classification Scheme 2023. Collection method: clinical testing. Allele origin: germline.
Comment: The p.I63V variant (also known as c.187A>G), located in coding exon 4 of the RPS20 gene, results from an A to G substitution at nucleotide position 187. The isoleucine at codon 63 is replaced by valine, an amino acid with highly similar properties. This amino acid position is highly conserved in available vertebrate species. In addition, the in silico prediction for this alteration is inconclusive. Based on the available evidence, the clinical significance of this variant remains unclear.

NM_001023.4(RPS20):c.187A>G (p.Ile63Val)

Gene: RPS20 (ribosomal protein S20; minus strand). Cytogenetic location: 8q12.1.
Variant type: single nucleotide variant.
Coding change: c.187A>G on transcript NM_001023.4 (MANE Select); coding-DNA position 187, A replaced by G.
Protein change: p.Ile63Val; replaces isoleucine 63 with valine.
Molecular consequence: missense variant.
Genome position (GRCh38, 1-based): chr8:56,073,263, T>C on the plus strand (A>G on the coding strand, the complement: RPS20 is on the minus strand). VCF-style: chr8-56073263-T-C. GRCh37 (hg19) VCF-style: chr8-56985822-T-C.
Other names: c.187A>G, p.Ile63Val (NM_001146227.3); short protein forms I63V.
Identifiers: ClinVar variation 4579496 (VCV004579496.1).